The following is an entry in ClinVar:

ClinVar aggregate classification (germline): Likely benign (1 of 4 stars; one submission).

Conditions:
Malignant hyperthermia, susceptibility to, 5 (MHS5). Also called: CACNA1S-Related Malignant Hyperthermia Susceptibility. Identifiers: Orphanet 423, MedGen C1866077, MONDO:0011163, OMIM 601887.

Submission:

All of Us Research Program, National Institutes of Health
Classification: Likely benign for Malignant hyperthermia, susceptibility to, 5. Last evaluated: 2023-10-06. Review status: criteria provided, single submitter. Criteria: ACMG Guidelines, 2015. Collection method: clinical testing. Allele origin: germline. Inheritance: Autosomal dominant inheritance. Observed: 1 variant allele, 1 heterozygote.
Comment: This study involves interpretation of variants in research participants for the purpose of population health screening. Participant phenotype was not available at the time of variant classification. Additional details can be found in publication PMID: 35346344, PMCID: PMC8962531

NM_000069.3(CACNA1S):c.1828-15C>T

Gene: CACNA1S (calcium voltage-gated channel subunit alpha1 S; minus strand). Cytogenetic location: 1q32.1.
Variant type: single nucleotide variant.
Coding change: c.1828-15C>T on transcript NM_000069.3 (MANE Select); 15 bases into the intron before coding-DNA position 1828, C replaced by T.
Molecular consequence: intron variant.
Genome position (GRCh38, 1-based): chr1:201,075,630, G>A on the plus strand (C>T on the coding strand, the complement: CACNA1S is on the minus strand). VCF-style: chr1-201075630-G-A. GRCh37 (hg19) VCF-style: chr1-201044758-G-A.
Identifiers: ClinVar variation 3073833 (VCV003073833.1), dbSNP rs778758364, ClinGen allele CA2825000905.